The following is an entry in ClinVar:

ClinVar aggregate classification (germline): Uncertain significance. Review status: criteria provided, multiple submitters, no conflicts (2 of 4 stars). 2 submissions from 2 submitters: Uncertain significance (2). Last evaluated 2023-09-26.

Allele frequency attached by ClinVar (database versions not stated): gnomAD 0.00001; TOPMed 0.00001; ExAC 0.00002.
gnomAD v4.1: 27 of 1,609,860 alleles (0.0017%); highest among the groups gnomAD compares: East Asian, 0.0022%; no homozygotes.

Submissions (2):

Ambry Genetics
Classification: Uncertain significance. Last evaluated: 2023-09-26. Review status: criteria provided, single submitter. Criteria: Ambry Variant Classification Scheme 2023. Collection method: clinical testing. Allele origin: germline.

Labcorp Genetics (formerly Invitae), Labcorp
Classification: Uncertain significance. Last evaluated: 2022-03-14. Review status: criteria provided, single submitter. Criteria: Invitae Variant Classification Sherloc (09022015). Collection method: clinical testing. Allele origin: germline.
Comment: In summary, the available evidence is currently insufficient to determine the role of this variant in disease. Therefore, it has been classified as a Variant of Uncertain Significance. Algorithms developed to predict the effect of missense changes on protein structure and function are either unavailable or do not agree on the potential impact of this missense change (SIFT: "Not Available"; PolyPhen-2: "Probably Damaging"; Align-GVGD: "Not Available"). This variant has not been reported in the literature in individuals affected with IDH3B-related conditions. This variant is present in population databases (rs753278957, gnomAD 0.002%). This sequence change replaces arginine, which is basic and polar, with tryptophan, which is neutral and slightly polar, at codon 308 of the IDH3B protein (p.Arg308Trp).

NM_006899.5(IDH3B):c.922C>T (p.Arg308Trp)

Gene: IDH3B (isocitrate dehydrogenase (NAD(+)) 3 non-catalytic subunit beta; minus strand). Cytogenetic location: 20p13.
Variant type: single nucleotide variant.
Coding change: c.922C>T on transcript NM_006899.5 (MANE Select); coding-DNA position 922, C replaced by T.
Protein change: p.Arg308Trp; replaces arginine 308 with tryptophan.
Molecular consequence: missense variant. On other transcripts: non-coding transcript variant (1).
Genome position (GRCh38, 1-based): chr20:2,659,787, G>A on the plus strand (C>T on the coding strand, the complement: IDH3B is on the minus strand). VCF-style: chr20-2659787-G-A. GRCh37 (hg19) VCF-style: chr20-2640433-G-A.
Other names: c.922C>T (NM_006899.2); c.922C>T, p.Arg308Trp (NM_001258384.3, NM_001330763.2, NM_174855.4); short protein forms R308W.
Identifiers: ClinVar variation 1931429 (VCV001931429.6), dbSNP rs753278957, ClinGen allele CA9735133.
Genomic context (GRCh38, chr20:2,659,787, plus strand): 5'-ACAGCAGCATGGCCGTGGGATTGGCTATATTCCTGCCCACTGCCTGGGCAAATGGGTGCC[G>A]GGCACCCTGTGGAGAGAGGGGCAGGCTAGACACTGGGAGGAGGCAGGAGGGGTATGCAGA-3'
Protein context (NP_008830.2, residues 298-318): AEYAVFETGA[Arg308Trp]HPFAQAVGRN